The following is an entry in ClinVar:

NM_001134831.2(AHI1):c.909_917del (p.Thr304_Lys306del)

Gene: AHI1 (Abelson helper integration site 1; minus strand). Cytogenetic location: 6q23.3.
Variant type: Deletion.
Coding change: c.909_917del on transcript NM_001134831.2 (MANE Select); coding-DNA positions 909 to 917, 9 bases deleted (AACAAAAAA; older notation c.909_917delAACAAAAAA).
Protein change: p.Thr304_Lys306del.
Molecular consequence: inframe deletion.
Genome position (GRCh38, 1-based): chr6:135,463,139-135,463,147, TTTTTTGTT deleted on the plus strand (AACAAAAAA on the coding strand, the reverse complement: AHI1 is on the minus strand); deleting any 9 consecutive bases within chr6:135,463,139-135,463,154 gives the same sequence; the c. name uses the placement nearest the transcript's 3' end. VCF-style (leftmost placement, unchanged base first): chr6-135463138-CTTTTTTGTT-C. GRCh37 (hg19) VCF-style: chr6-135784276-CTTTTTTGTT-C.
Other names: c.909_917del, p.Thr304_Lys306del (NM_001134830.2, NM_001134832.2, NM_001350503.2 and 2 more transcripts).
Identifiers: ClinVar variation 950893 (VCV000950893.8), dbSNP rs1417477245, ClinGen allele CA570976415.

ClinVar aggregate classification (germline): Uncertain significance. Review status: criteria provided, multiple submitters, no conflicts (2 of 4 stars). 2 submissions from 2 submitters: Uncertain significance (2). Last evaluated 2024-04-04.

Conditions:
Joubert syndrome 3 (JBTS3). Also called: AHI1-related Ciliopathy. Identifiers: Orphanet 220493, MedGen C1837713, MONDO:0012078, OMIM 608629.
Joubert syndrome. Also called: Familial aplasia of the vermis; CEREBELLOPARENCHYMAL DISORDER IV; JOUBERT-BOLTSHAUSER SYNDROME. Identifiers: Orphanet 475, MedGen C5979921, MONDO:0018772.

Submissions (2):

Fulgent Genetics
Classification: Uncertain significance for Joubert syndrome 3. Last evaluated: 2024-04-04. Review status: criteria provided, single submitter. Criteria: ACMG Guidelines, 2015. Collection method: clinical testing. Allele origin: germline.

Labcorp Genetics (formerly Invitae), Labcorp
Classification: Uncertain significance for Joubert syndrome. Last evaluated: 2022-03-13. Review status: criteria provided, single submitter. Criteria: Invitae Variant Classification Sherloc (09022015). Collection method: clinical testing. Allele origin: germline.
Comment: This variant, c.909_917del, results in the deletion of 3 amino acid(s) of the AHI1 protein (p.Thr304_Lys306del), but otherwise preserves the integrity of the reading frame. The frequency data for this variant in the population databases is considered unreliable, as metrics indicate poor data quality at this position in the gnomAD database. This variant has not been reported in the literature in individuals affected with AHI1-related conditions. ClinVar contains an entry for this variant (Variation ID: 950893). Experimental studies and prediction algorithms are not available or were not evaluated, and the functional significance of this variant is currently unknown. In summary, the available evidence is currently insufficient to determine the role of this variant in disease. Therefore, it has been classified as a Variant of Uncertain Significance.